The following is an entry in ClinVar:

NM_021098.3(CACNA1H):c.1213-11C>T

Gene: CACNA1H (calcium voltage-gated channel subunit alpha1 H; plus strand). Cytogenetic location: 16p13.3.
Variant type: single nucleotide variant.
Coding change: c.1213-11C>T on transcript NM_021098.3 (MANE Select); 11 bases into the intron before coding-DNA position 1213, C replaced by T.
Molecular consequence: intron variant.
Genome position (GRCh38, 1-based): chr16:1,201,652, C>T. VCF-style: chr16-1201652-C-T. GRCh37 (hg19) VCF-style: chr16-1251652-C-T.
Other names: c.1213-11C>T (NM_001005407.2).
Identifiers: ClinVar variation 1598914 (VCV001598914.11), dbSNP rs57772860, ClinGen allele CA7799872.
Genomic context (GRCh38, chr16:1,201,652, plus strand): 5'-CACAGTAGGGCTCAGTGGCGAATCAGAGACTCGCTCACTCACTGCCACTTACCCGCCCGC[C>T]CCCGTCACAGGTGGGCTCCTTCTTCATGATCAACCTGTGCCTGGTGGTGATTGCCACGCA-3'

ClinVar aggregate classification (germline): Benign/Likely benign. Review status: criteria provided, multiple submitters, no conflicts (2 of 4 stars). 3 submissions from 3 submitters: Benign (1); Likely benign (2). Last evaluated 2026-01-12.

Conditions:
Hyperaldosteronism, familial, type IV (HALD4). Also called: FH IV; ALDOSTERONISM, PRIMARY, AND HYPERTENSION. Identifiers: Orphanet 642671, MedGen C4310756, MONDO:0014875, OMIM 617027.
Idiopathic generalized epilepsy. Also called: EIG; Generalised epilepsy. Identifiers: MedGen C0270850, MONDO:0005579, OMIM 600669.

Allele frequency attached by ClinVar (database versions not stated): gnomAD exomes 0.00088; ExAC 0.00204; ESP Exome Variant Server 0.00258; 1000 Genomes Project 0.00260; 1000 Genomes Project 30x 0.00281.
gnomAD v4.1: 939 of 1,574,634 alleles (0.06%); highest among the groups gnomAD compares: African/African-American, 1.2%; 4 homozygotes.

Submissions (3):

Labcorp Genetics (formerly Invitae), Labcorp
Classification: Benign for Idiopathic generalized epilepsy; Hyperaldosteronism, familial, type IV. Last evaluated: 2026-01-12. Review status: criteria provided, single submitter. Criteria: Invitae Variant Classification Sherloc (09022015). Collection method: clinical testing. Allele origin: germline.

Blueprint Genetics
Classification: Likely benign. Last evaluated: 2024-08-06. Review status: criteria provided, single submitter. Criteria: ACMG Guidelines, 2015. Collection method: clinical testing. Allele origin: germline.

Laboratorio de Genetica e Diagnostico Molecular, Hospital Israelita Albert Einstein
Classification: Likely benign. Last evaluated: 2019-12-25. Review status: criteria provided, single submitter. Criteria: ACMG Guidelines, 2015. Collection method: clinical testing. Allele origin: germline. Affected: yes.
Comment: ACMG classification criteria: BS1, BP4